The following is an entry in ClinVar:

NM_138927.4(SON):c.3509C>T (p.Pro1170Leu)

Gene: SON (SON DNA and RNA binding protein; plus strand). Cytogenetic location: 21q22.11.
Variant type: single nucleotide variant.
Coding change: c.3509C>T on transcript NM_138927.4 (MANE Select); coding-DNA position 3509, C replaced by T.
Protein change: p.Pro1170Leu; replaces proline 1170 with leucine.
Molecular consequence: missense variant. On other transcripts: non-coding transcript variant (1), intron variant (1).
Genome position (GRCh38, 1-based): chr21:33,552,740, C>T. VCF-style: chr21-33552740-C-T. GRCh37 (hg19) VCF-style: chr21-34925046-C-T.
Other names: c.3509C>T, p.Pro1170Leu (NM_001291411.2, NM_001412133.1, NM_032195.3 and 2 more transcripts); c.245-4416C>T (NM_001291412.3); short protein forms P1170L.
Identifiers: ClinVar variation 2081297 (VCV002081297.4), dbSNP rs2517372383, ClinGen allele CA410160353.

ClinVar aggregate classification (germline): Uncertain significance (1 of 4 stars; one submission).

Submission:

Labcorp Genetics (formerly Invitae), Labcorp
Classification: Uncertain significance. Last evaluated: 2022-08-23. Review status: criteria provided, single submitter. Criteria: Invitae Variant Classification Sherloc (09022015). Collection method: clinical testing. Allele origin: germline.
Comment: This variant has not been reported in the literature in individuals affected with SON-related conditions. This variant is not present in population databases (gnomAD no frequency). This sequence change replaces proline, which is neutral and non-polar, with leucine, which is neutral and non-polar, at codon 1170 of the SON protein (p.Pro1170Leu). Algorithms developed to predict the effect of missense changes on protein structure and function are either unavailable or do not agree on the potential impact of this missense change (SIFT: "Deleterious"; PolyPhen-2: "Probably Damaging"; Align-GVGD: "Class C0"). In summary, the available evidence is currently insufficient to determine the role of this variant in disease. Therefore, it has been classified as a Variant of Uncertain Significance.